The following is an entry in ClinVar:

NM_001079.4(ZAP70):c.1450A>T (p.Lys484Ter)

Gene: ZAP70 (zeta chain of T cell receptor associated protein kinase 70; plus strand). Cytogenetic location: 2q11.2.
Variant type: single nucleotide variant.
Coding change: c.1450A>T on transcript NM_001079.4 (MANE Select); coding-DNA position 1450, A replaced by T.
Protein change: p.Lys484Ter; replaces lysine 484 with a stop codon.
Molecular consequence: nonsense.
Genome position (GRCh38, 1-based): chr2:97,737,633, A>T. VCF-style: chr2-97737633-A-T. GRCh37 (hg19) VCF-style: chr2-98354096-A-T.
Other names: c.1450A>T, p.Lys484Ter (NM_001378594.1); c.529A>T, p.Lys177Ter (NM_207519.2); short protein forms K177*, K484*.
Identifiers: ClinVar variation 2088832 (VCV002088832.4), dbSNP rs1677953034, ClinGen allele CA347803781.
Genomic context (GRCh38, chr2:97,737,633, plus strand): 5'-GCCCGCAACGTCCTGCTGGTTAACCGGCACTACGCCAAGATCAGCGACTTTGGCCTCTCC[A>T]AAGCACTGGGTGCCGACGACAGCTACTACACTGTAAGCCTCTGCCCCTGTGATGCCCGAC-3'

ClinVar aggregate classification (germline): Pathogenic (1 of 4 stars; one submission).

Conditions:
Combined immunodeficiency due to ZAP70 deficiency (IMD48). Also called: ZAP70 Deficiency; Immunodeficiency 48. Identifiers: Orphanet 911, MedGen C2931299, MONDO:0010023, OMIM 269840.

Allele frequency attached by ClinVar (database versions not stated): gnomAD exomes 0.00001.
gnomAD v4.1: 12 of 1,614,082 alleles (0.00074%); highest among the groups gnomAD compares: Non-Finnish European, 0.001%; no homozygotes.

Submission:

Labcorp Genetics (formerly Invitae), Labcorp
Classification: Pathogenic for Combined immunodeficiency due to ZAP70 deficiency. Last evaluated: 2022-03-15. Review status: criteria provided, single submitter. Criteria: Invitae Variant Classification Sherloc (09022015). Collection method: clinical testing. Allele origin: germline.
Comment: For these reasons, this variant has been classified as Pathogenic. This variant has not been reported in the literature in individuals affected with ZAP70-related conditions. This variant is not present in population databases (gnomAD no frequency). This sequence change creates a premature translational stop signal (p.Lys484*) in the ZAP70 gene. It is expected to result in an absent or disrupted protein product. Loss-of-function variants in ZAP70 are known to be pathogenic (PMID: 8202712).

Literature cited by the submitters: PubMed 8202712.